The following is an entry in ClinVar:

NM_000059.4(BRCA2):c.6509_6510del (p.Lys2170fs)

Gene: BRCA2 (BRCA2 DNA repair associated; plus strand). Cytogenetic location: 13q13.1.
Variant type: Deletion.
Coding change: c.6509_6510del on transcript NM_000059.4 (MANE Select); coding-DNA positions 6509 to 6510, 2 bases deleted (AA; older notation c.6509_6510delAA).
Protein change: p.Lys2170fs; shifts the reading frame from lysine 2170.
Molecular consequence: frameshift variant.
Genome position (GRCh38, 1-based): chr13:32,340,864-32,340,865, AA deleted; deleting any 2 consecutive bases within chr13:32,340,863-32,340,865 gives the same sequence; the c. name uses the placement nearest the transcript's 3' end. VCF-style (leftmost placement, unchanged base first): chr13-32340862-CAA-C. GRCh37 (hg19) VCF-style: chr13-32914999-CAA-C.
Other names: 6737delAA; c.6509_6510delAA (NM_000059.3).
Identifiers: ClinVar variation 52119 (VCV000052119.12), dbSNP rs80359600, ClinGen allele CA024123.

ClinVar aggregate classification (germline): Pathogenic. Review status: reviewed by expert panel (3 of 4 stars). 8 submissions from 8 submitters: Pathogenic (1). 7 of the submissions do not count toward it. Last evaluated 2016-09-08.

Conditions:
Hereditary breast ovarian cancer syndrome. Also called: Hereditary breast and ovarian cancer syndrome; Hereditary breast and ovarian cancer; Hereditary breast and ovarian cancer syndrome (HBOC); Breast and ovarian cancer; Hereditary breast and/or ovarian cancer syndrome; BRCA1- and BRCA2-Associated Hereditary Breast and Ovarian Cancer. Identifiers: Orphanet 145, MedGen C0677776, MeSH D061325, MONDO:0003582. Disease mechanism: loss of function.
Hereditary cancer-predisposing syndrome. Also called: Neoplastic Syndromes, Hereditary; Tumor predisposition; Hereditary neoplastic syndrome; Hereditary Cancer Syndrome. Identifiers: Orphanet 140162, MedGen C0027672, MeSH D009386, MONDO:0015356.
Familial cancer of breast. Also called: BREAST CANCER, FAMILIAL; Hereditary breast cancer; hereditary breast carcinoma. Identifiers: Orphanet 227535, MedGen C0346153, MONDO:0016419, OMIM 114480. Disease mechanism: loss of function.
Breast-ovarian cancer, familial, susceptibility to, 2 (BROVCA2). Also called: BRCA2 Hereditary Breast and Ovarian Cancer. Identifiers: Orphanet 145, MedGen C2675520, MONDO:0012933, OMIM 612555. Disease mechanism: loss of function.

Submissions (8):

Evidence-based Network for the Interpretation of Germline Mutant Alleles (ENIGMA)
Classification: Pathogenic for Breast-ovarian cancer, familial, susceptibility to, 2. Last evaluated: 2016-09-08. Review status: reviewed by expert panel. Criteria: ENIGMA BRCA1/2 Classification Criteria (2015). Collection method: curation. Allele origin: germline.
Comment: Variant allele predicted to encode a truncated non-functional protein.

Myriad Genetics, Inc.
Classification: Pathogenic for Breast-ovarian cancer, familial, susceptibility to, 2. Last evaluated: 2025-04-09. Review status: criteria provided, single submitter. Criteria: Myriad Autosomal Dominant, Autosomal Recessive and X-Linked Classification Criteria (2023). Collection method: clinical testing. Allele origin: unknown. Not counted in ClinVar's aggregate classification.
Comment: This variant is considered pathogenic. This variant creates a frameshift predicted to result in premature protein truncation.

Color Diagnostics, LLC DBA Color Health
Classification: Pathogenic for Hereditary cancer-predisposing syndrome. Last evaluated: 2024-07-23. Review status: criteria provided, single submitter. Criteria: ACMG Guidelines, 2015. Collection method: clinical testing. Allele origin: germline. Not counted in ClinVar's aggregate classification.
Comment: This variant deletes 5 nucleotides in exon 11 of the BRCA2 gene, creating a frameshift and premature translation stop signal. This variant is expected to result in an absent or non-functional protein product. To our knowledge, this variant has been reported in individuals affected with breast cancer (PMID: 33573335). This variant has not been identified in the general population by the Genome Aggregation Database (gnomAD). Loss of BRCA2 function is a known mechanism of disease. Based on the available evidence, this variant is classified as Pathogenic.

Baylor Genetics
Classification: Pathogenic for Familial cancer of breast. Last evaluated: 2023-10-30. Review status: criteria provided, single submitter. Criteria: ACMG Guidelines, 2015. Collection method: clinical testing. Allele origin: unknown. Not counted in ClinVar's aggregate classification.

Labcorp Genetics (formerly Invitae), Labcorp
Classification: Pathogenic for Hereditary breast ovarian cancer syndrome. Last evaluated: 2021-02-07. Review status: criteria provided, single submitter. Criteria: Invitae Variant Classification Sherloc (09022015). Collection method: clinical testing. Allele origin: germline. Not counted in ClinVar's aggregate classification.
Comment: For these reasons, this variant has been classified as Pathogenic. This variant has not been reported in the literature in individuals with BRCA2-related conditions. ClinVar contains an entry for this variant (Variation ID: 52119). This variant is not present in population databases (ExAC no frequency). This sequence change creates a premature translational stop signal (p.Lys2170Serfs*5) in the BRCA2 gene. It is expected to result in an absent or disrupted protein product. Loss-of-function variants in BRCA2 are known to be pathogenic (PMID: 20104584).

Consortium of Investigators of Modifiers of BRCA1/2 (CIMBA), c/o University of Cambridge
Classification: Pathogenic for Breast-ovarian cancer, familial, susceptibility to, 2. Last evaluated: 2015-10-02. Review status: criteria provided, single submitter. Criteria: CIMBA Mutation Classification guidelines May 2016. Collection method: clinical testing. Allele origin: germline. Not counted in ClinVar's aggregate classification.

Research Molecular Genetics Laboratory, Women's College Hospital, University of Toronto
Classification: Pathogenic for Hereditary breast ovarian cancer syndrome. Last evaluated: 2014-01-31. Review status: no assertion criteria provided. Collection method: research. Allele origin: germline. Affected: yes. Study: The Canadian Open Genetics Repository (COGR). Not counted in ClinVar's aggregate classification.

Breast Cancer Information Core (BIC) (BRCA2)
Classification: Pathogenic for Breast-ovarian cancer, familial 2. Last evaluated: 2002-05-29. Review status: no assertion criteria provided. Collection method: clinical testing. Allele origin: germline. Affected: yes. Observed: 1 variant allele. Not counted in ClinVar's aggregate classification.

Literature cited by the submitters: PubMed 33573335 (cited by Color Diagnostics, LLC DBA Color Health); PubMed 20104584 (cited by Labcorp Genetics (formerly Invitae), Labcorp).